The following is an entry in ClinVar:

NM_000918.4(P4HB):c.1495G>A (p.Asp499Asn)

Gene: P4HB (prolyl 4-hydroxylase subunit beta; minus strand). Cytogenetic location: 17q25.3.
Variant type: single nucleotide variant.
Coding change: c.1495G>A on transcript NM_000918.4 (MANE Select); coding-DNA position 1495, G replaced by A.
Protein change: p.Asp499Asn; replaces aspartic acid 499 with asparagine.
Molecular consequence: missense variant.
Genome position (GRCh38, 1-based): chr17:81,844,044, C>T on the plus strand (G>A on the coding strand, the complement: P4HB is on the minus strand). VCF-style: chr17-81844044-C-T. GRCh37 (hg19) VCF-style: chr17-79801920-C-T.
Other names: short protein forms D499N.
Identifiers: ClinVar variation 1435400 (VCV001435400.8), dbSNP rs202116664, ClinGen allele CA295117695.

ClinVar aggregate classification (germline): Uncertain significance (1 of 4 stars; one submission).

Allele frequency attached by ClinVar (database versions not stated): gnomAD exomes below 0.00001; gnomAD 0.00001; TOPMed 0.00003.
gnomAD v4.1: 5 of 1,613,750 alleles (0.00031%); highest among the groups gnomAD compares: African/African-American, 0.0027%; no homozygotes.

Submission:

Labcorp Genetics (formerly Invitae), Labcorp
Classification: Uncertain significance. Last evaluated: 2023-09-11. Review status: criteria provided, single submitter. Criteria: Invitae Variant Classification Sherloc (09022015). Collection method: clinical testing. Allele origin: germline.
Comment: This sequence change replaces aspartic acid, which is acidic and polar, with asparagine, which is neutral and polar, at codon 499 of the P4HB protein (p.Asp499Asn). This variant is present in population databases (rs202116664, gnomAD 0.01%). This variant has not been reported in the literature in individuals affected with P4HB-related conditions. ClinVar contains an entry for this variant (Variation ID: 1435400). An algorithm developed to predict the effect of missense changes on protein structure and function (PolyPhen-2) suggests that this variant is likely to be tolerated. In summary, the available evidence is currently insufficient to determine the role of this variant in disease. Therefore, it has been classified as a Variant of Uncertain Significance.